The following is an entry in ClinVar:

NM_206933.4(USH2A):c.8623C>G (p.Arg2875Gly)

Gene: USH2A (usherin; minus strand). Cytogenetic location: 1q41.
Variant type: single nucleotide variant.
Coding change: c.8623C>G on transcript NM_206933.4 (MANE Select); coding-DNA position 8623, C replaced by G.
Protein change: p.Arg2875Gly; replaces arginine 2875 with glycine.
Molecular consequence: missense variant.
Genome position (GRCh38, 1-based): chr1:215,877,816, G>C on the plus strand (C>G on the coding strand, the complement: USH2A is on the minus strand). VCF-style: chr1-215877816-G-C. GRCh37 (hg19) VCF-style: chr1-216051158-G-C.
Other names: short protein forms R2875G.
Identifiers: ClinVar variation 3896576 (VCV003896576.2).

ClinVar aggregate classification (germline): Uncertain significance (1 of 4 stars; one submission).

gnomAD v4.1: 1 of 1,613,728 alleles (0.000062%); highest among the groups gnomAD compares: East Asian, 0.0022%; no homozygotes.

Submission:

Women's Health and Genetics/Laboratory Corporation of America, LabCorp
Classification: Uncertain significance. Last evaluated: 2025-04-01. Review status: criteria provided, single submitter. Criteria: LabCorp Variant Classification Summary - May 2015. Collection method: clinical testing. Allele origin: germline.
Comment: Variant summary: USH2A c.8623C>G (p.Arg2875Gly) results in a non-conservative amino acid change in the encoded protein sequence. Three of five in-silico tools predict a damaging effect of the variant on protein function. The variant was absent in 251238 control chromosomes. The available data on variant occurrences in the general population are insufficient to allow any conclusion about variant significance. c.8623C>G has been reported in the literature in an individual affected with Retinitis Pigmentosa. These report(s) do not provide unequivocal conclusions about association of the variant with Usher Syndrome. To our knowledge, no experimental evidence demonstrating an impact on protein function has been reported. The following publication have been ascertained in the context of this evaluation (PMID: 32675063). No submitters have cited clinical-significance assessments for this variant to ClinVar. Based on the evidence outlined above, the variant was classified as uncertain significance.

Literature cited by the submitters: PubMed 32675063.